The following is an entry in ClinVar:

ClinVar aggregate classification (germline): Uncertain significance. Review status: criteria provided, multiple submitters, no conflicts (2 of 4 stars). 2 submissions from 2 submitters: Uncertain significance (2). Last evaluated 2025-07-15.

Conditions:
Vici syndrome (VICIS). Identifiers: Orphanet 1493, MedGen C1855772, MONDO:0009452, OMIM 242840.
Inborn genetic diseases. Identifiers: MedGen C0950123, MeSH D030342.

Allele frequency attached by ClinVar (database versions not stated): gnomAD exomes 0.00001; gnomAD 0.00003.
gnomAD v4.1: 8 of 1,613,628 alleles (0.0005%); highest among the groups gnomAD compares: African/African-American, 0.0013%; no homozygotes.

Submissions (2):

Dasa
Classification: Uncertain significance for Vici syndrome. Last evaluated: 2025-07-15. Review status: criteria provided, single submitter. Criteria: DASA Assertion Criteria. Collection method: clinical testing. Allele origin: germline.
Comment: NM_020964.3(EPG5):c.1663G>A (p.Glu555Lys) is a missense variant that results in the substitution of glutamic acid with lysine. This variant is rare in population databases. The currently available literature and clinical evidence are not sufficient to establish a definitive association between this variant and the reported condition. Therefore, this variant is classified as a variant of uncertain significance.

Ambry Genetics
Classification: Uncertain significance for Inborn genetic diseases. Last evaluated: 2017-08-08. Review status: criteria provided, single submitter. Criteria: Ambry exome assertion method (8-5-2015). Collection method: clinical testing. Allele origin: germline. Affected: yes. Observed: 1 variant allele.

NM_020964.3(EPG5):c.1663G>A (p.Glu555Lys)

Gene: EPG5 (ectopic P-granules 5 autophagy tethering factor; minus strand). Cytogenetic location: 18q21.1.
Variant type: single nucleotide variant.
Coding change: c.1663G>A on transcript NM_020964.3 (MANE Select); coding-DNA position 1663, G replaced by A.
Protein change: p.Glu555Lys; replaces glutamic acid 555 with lysine.
Molecular consequence: missense variant.
Genome position (GRCh38, 1-based): chr18:45,946,677, C>T on the plus strand (G>A on the coding strand, the complement: EPG5 is on the minus strand). VCF-style: chr18-45946677-C-T. GRCh37 (hg19) VCF-style: chr18-43526643-C-T.
Other names: c.1663G>A, p.Glu555Lys (LRG_1234t1); short protein forms E555K.
Identifiers: ClinVar variation 521975 (VCV000521975.6), dbSNP rs1229414685, ClinGen allele CA402348876.